The following is an entry in ClinVar:

ClinVar aggregate classification (germline): Uncertain significance. Review status: criteria provided, multiple submitters, no conflicts (2 of 4 stars). 2 submissions from 2 submitters: Uncertain significance (2). Last evaluated 2025-11-13.

Conditions:
Inborn genetic diseases. Identifiers: MedGen C0950123, MeSH D030342.

Allele frequency attached by ClinVar (database versions not stated): gnomAD exomes 0.00001; TOPMed 0.00002.
gnomAD v4.1: 7 of 1,553,324 alleles (0.00045%); highest among the groups gnomAD compares: African/African-American, 0.0014%; no homozygotes.

Submissions (2):

Labcorp Genetics (formerly Invitae), Labcorp
Classification: Uncertain significance. Last evaluated: 2025-11-13. Review status: criteria provided, single submitter. Criteria: Invitae Variant Classification Sherloc (09022015). Collection method: clinical testing. Allele origin: germline.
Comment: This sequence change replaces glutamic acid, which is acidic and polar, with glycine, which is neutral and non-polar, at codon 341 of the PROM1 protein (p.Glu341Gly). The frequency data for this variant in the population databases is considered unreliable, as metrics indicate poor data quality at this position in the gnomAD database. This variant has not been reported in the literature in individuals affected with PROM1-related conditions. ClinVar contains an entry for this variant (Variation ID: 1480634). Invitae Evidence Modeling of protein sequence and biophysical properties (such as structural, functional, and spatial information, amino acid conservation, physicochemical variation, residue mobility, and thermodynamic stability) has been performed for this missense variant. However, the output from this modeling did not meet the statistical confidence thresholds required to predict the impact of this variant on PROM1 protein function. In summary, the available evidence is currently insufficient to determine the role of this variant in disease. Therefore, it has been classified as a Variant of Uncertain Significance.

Ambry Genetics
Classification: Uncertain significance for Inborn genetic diseases. Last evaluated: 2024-07-09. Review status: criteria provided, single submitter. Criteria: Ambry Variant Classification Scheme 2023. Collection method: clinical testing. Allele origin: germline.

NM_006017.3(PROM1):c.1022A>G (p.Glu341Gly)

Gene: PROM1 (prominin 1; minus strand). Cytogenetic location: 4p15.32.
Variant type: single nucleotide variant.
Coding change: c.1022A>G on transcript NM_006017.3 (MANE Select); coding-DNA position 1022, A replaced by G.
Protein change: p.Glu341Gly; replaces glutamic acid 341 with glycine.
Molecular consequence: missense variant.
Genome position (GRCh38, 1-based): chr4:16,016,221, T>C on the plus strand (A>G on the coding strand, the complement: PROM1 is on the minus strand). VCF-style: chr4-16016221-T-C. GRCh37 (hg19) VCF-style: chr4-16017844-T-C.
Other names: c.1022A>G (NM_006017.2); c.995A>G, p.Glu332Gly (NM_001145847.2, NM_001145848.2, NM_001145851.2 and 4 more transcripts); c.1022A>G, p.Glu341Gly (NM_001145849.2, NM_001145850.2); short protein forms E332G, E341G.
Identifiers: ClinVar variation 1480634 (VCV001480634.7), dbSNP rs977371695, ClinGen allele CA92561329.
Genomic context (GRCh38, chr4:16,016,221, plus strand): 5'-CATACCTGTTGGACCAGGCCATCCAAATCTGTCCTAAGAACGTTATTAACGTTGTCAAGT[T>C]CTGCATCCACGGGTGGAAGCTGAAAATTTATAAAACAAAATATAAGACAAGGTTGTTACC-3'
Protein context (NP_006008.1, residues 331-351): ELRQLPPVDA[Glu341Gly]LDNVNNVLRT